The following is an entry in ClinVar:

NM_021815.5(SLC5A7):c.472G>A (p.Asp158Asn)

Gene: SLC5A7 (solute carrier family 5 member 7; plus strand). Cytogenetic location: 2q12.3.
Variant type: single nucleotide variant.
Coding change: c.472G>A on transcript NM_021815.5 (MANE Select); coding-DNA position 472, G replaced by A.
Protein change: p.Asp158Asn; replaces aspartic acid 158 with asparagine.
Molecular consequence: missense variant. On other transcripts: 5 prime UTR variant (1).
Genome position (GRCh38, 1-based): chr2:107,997,861, G>A. VCF-style: chr2-107997861-G-A. GRCh37 (hg19) VCF-style: chr2-108614317-G-A.
Other names: c.472G>A, p.Asp158Asn (NM_001305005.3); c.157G>A, p.Asp53Asn (NM_001305006.3); c.-233G>A (NM_001305007.3); short protein forms D158N, D53N.
Identifiers: ClinVar variation 1377422 (VCV001377422.8), dbSNP rs768776054, ClinGen allele CA1818975.

ClinVar aggregate classification (germline): Uncertain significance. Review status: criteria provided, multiple submitters, no conflicts (2 of 4 stars). 2 submissions from 2 submitters: Uncertain significance (2). Last evaluated 2025-10-02.

Conditions:
Neuronopathy, distal hereditary motor, type 7A. Also called: Neuronopathy, distal hereditary motor, type viia; HARPER-YOUNG MYOPATHY; HMN VIIA; SPINAL MUSCULAR ATROPHY, DISTAL, WITH VOCAL CORD PARALYSIS; NEURONOPATHY, DISTAL HEREDITARY MOTOR, HARDING TYPE VIIA; NEUROPATHY, DISTAL HEREDITARY MOTOR, HARDING TYPE VIIA. Identifiers: Orphanet 139589, MedGen C1834703, MONDO:0008024, OMIM 158580.
Congenital myasthenic syndrome 20. Also called: Myasthenic syndrome, congenital, 20, presynaptic. Identifiers: MedGen C4310694, MONDO:0014939, OMIM 617143.
Inborn genetic diseases. Identifiers: MedGen C0950123, MeSH D030342.

Allele frequency attached by ClinVar (database versions not stated): gnomAD exomes 0.00002 and 0.00001; TOPMed 0.00002; gnomAD 0.00002; ExAC 0.00002.

Submissions (2):

Labcorp Genetics (formerly Invitae), Labcorp
Classification: Uncertain significance for Neuronopathy, distal hereditary motor, type 7A; Congenital myasthenic syndrome 20. Last evaluated: 2025-10-02. Review status: criteria provided, single submitter. Criteria: Invitae Variant Classification Sherloc (09022015). Collection method: clinical testing. Allele origin: germline.
Comment: This sequence change replaces aspartic acid, which is acidic and polar, with asparagine, which is neutral and polar, at codon 158 of the SLC5A7 protein (p.Asp158Asn). This variant is present in population databases (rs768776054, gnomAD 0.02%). This variant has not been reported in the literature in individuals affected with SLC5A7-related conditions. ClinVar contains an entry for this variant (Variation ID: 1377422). Invitae Evidence Modeling of protein sequence and biophysical properties (such as structural, functional, and spatial information, amino acid conservation, physicochemical variation, residue mobility, and thermodynamic stability) indicates that this missense variant is not expected to disrupt SLC5A7 protein function with a negative predictive value of 80%. In summary, the available evidence is currently insufficient to determine the role of this variant in disease. Therefore, it has been classified as a Variant of Uncertain Significance.

Ambry Genetics
Classification: Uncertain significance for Inborn genetic diseases. Last evaluated: 2021-07-23. Review status: criteria provided, single submitter. Criteria: Ambry Variant Classification Scheme 2023. Collection method: clinical testing. Allele origin: germline.
Comment: The p.D158N variant (also known as c.472G>A), located in coding exon 4 of the SLC5A7 gene, results from a G to A substitution at nucleotide position 472. The aspartic acid at codon 158 is replaced by asparagine, an amino acid with highly similar properties. This amino acid position is not well conserved in available vertebrate species, and asparagine is the reference amino acid in other vertebrate species. In addition, this alteration is predicted to be tolerated by in silico analysis. Based on the supporting evidence, this variant is unlikely to be causative of distal hereditary motor neuronopathy, type VIIA (HMN7A); however, its contribution to the development of congenital myasthenic syndrome, 20, presynaptic (CMS20) is uncertain.